The following is an entry in ClinVar:

ClinVar aggregate classification (germline): Uncertain significance (1 of 4 stars; one submission).

gnomAD v4.1: 1 of 1,614,060 alleles (0.000062%); highest among the groups gnomAD compares: Non-Finnish European, 0.000085%; no homozygotes.

Submission:

Women's Health and Genetics/Laboratory Corporation of America, LabCorp
Classification: Uncertain significance. Last evaluated: 2024-08-06. Review status: criteria provided, single submitter. Criteria: LabCorp Variant Classification Summary - May 2015. Collection method: clinical testing. Allele origin: germline.
Comment: Variant summary: GUCY2D c.1992T>A (p.His664Gln) results in a non-conservative amino acid change located in the protein kinase domain (IPR000719) of the encoded protein sequence. Five of five in-silico tools predict a damaging effect of the variant on protein function. The variant was absent in 251336 control chromosomes. The available data on variant occurrences in the general population are insufficient to allow any conclusion about variant significance. To our knowledge, no occurrence of c.1992T>A in individuals affected with Leber Congenital Amaurosis and no experimental evidence demonstrating its impact on protein function have been reported. ClinVar contains an entry for this variant (Variation ID: 812326). Based on the evidence outlined above, the variant was classified as uncertain significance.

NM_000180.4(GUCY2D):c.1992T>A (p.His664Gln)

Gene: GUCY2D (guanylate cyclase 2D, retinal; plus strand). Cytogenetic location: 17p13.1.
Variant type: single nucleotide variant.
Coding change: c.1992T>A on transcript NM_000180.4 (MANE Select); coding-DNA position 1992, T replaced by A.
Protein change: p.His664Gln; replaces histidine 664 with glutamine.
Molecular consequence: missense variant.
Genome position (GRCh38, 1-based): chr17:8,012,485, T>A. VCF-style: chr17-8012485-T-A. GRCh37 (hg19) VCF-style: chr17-7915803-T-A.
Other names: short protein forms H664Q.
Identifiers: ClinVar variation 3366466 (VCV003366466.1).
Genomic context (GRCh38, chr17:8,012,485, plus strand): 5'-TGCCTCTTACCCTACCCATTCCAAGGGAATAAGGTATCTGCACCATCGAGGCGTGGCTCA[T>A]GGGCGGCTGAAGTCACGGAACTGCATAGTGGATGGCAGATTCGTACTCAAGATCACTGAC-3'
Protein context (NP_000171.1, residues 654-674): IRYLHHRGVA[His664Gln]GRLKSRNCIV